The following is an entry in ClinVar:

NM_003640.5(ELP1):c.3079A>G (p.Asn1027Asp)

Gene: ELP1 (elongator acetyltransferase complex subunit 1; minus strand). Cytogenetic location: 9q31.3.
Variant type: single nucleotide variant.
Coding change: c.3079A>G on transcript NM_003640.5 (MANE Select); coding-DNA position 3079, A replaced by G.
Protein change: p.Asn1027Asp; replaces asparagine 1027 with aspartic acid.
Molecular consequence: missense variant.
Genome position (GRCh38, 1-based): chr9:108,891,284, T>C on the plus strand (A>G on the coding strand, the complement: ELP1 is on the minus strand). VCF-style: chr9-108891284-T-C. GRCh37 (hg19) VCF-style: chr9-111653564-T-C.
Other names: c.2737A>G, p.Asn913Asp (NM_001318360.2); c.2032A>G, p.Asn678Asp (NM_001330749.2); short protein forms N913D, N1027D, N678D.
Identifiers: ClinVar variation 844456 (VCV000844456.7), dbSNP rs778943416, ClinGen allele CA5174438.
Genomic context (GRCh38, chr9:108,891,284, plus strand): 5'-CCACCAGCTGGTCTTTGGTAAAGTTAAGCTGGGCTGCCACACAGAGGGCTTGCTTCCAGT[T>C]GCCACATGTCAGAAAGGCTGAGAGAGCTTTCTCGTGGGCACCGCAACGGGCAAACATGAG-3'
Protein context (NP_003631.2, residues 1017-1037): KALSAFLTCG[Asn1027Asp]WKQALCVAAQ

ClinVar aggregate classification (germline): Uncertain significance. Review status: criteria provided, single submitter (1 of 4 stars). 2 submissions from 2 submitters: Uncertain significance (1). 1 of the submissions does not count toward it. Last evaluated 2022-08-10.

Conditions:
Familial dysautonomia. Also called: HSAN III; FD. Identifiers: Orphanet 1764, MedGen C0013364, MONDO:0009131, OMIM 223900. Disease mechanism: loss of function.

Allele frequency attached by ClinVar (database versions not stated): ExAC 0.00002; gnomAD exomes 0.00001.
gnomAD v4.1: 15 of 1,614,234 alleles (0.00093%); highest among the groups gnomAD compares: Non-Finnish European, 0.0013%; no homozygotes.

Submissions (2):

Labcorp Genetics (formerly Invitae), Labcorp
Classification: Uncertain significance. Last evaluated: 2022-08-10. Review status: criteria provided, single submitter. Criteria: Invitae Variant Classification Sherloc (09022015). Collection method: clinical testing. Allele origin: germline.
Comment: This sequence change replaces asparagine, which is neutral and polar, with aspartic acid, which is acidic and polar, at codon 1027 of the ELP1 protein (p.Asn1027Asp). This variant is present in population databases (rs778943416, gnomAD 0.002%). This variant has not been reported in the literature in individuals affected with ELP1-related conditions. ClinVar contains an entry for this variant (Variation ID: 844456). Algorithms developed to predict the effect of missense changes on protein structure and function (SIFT, PolyPhen-2, Align-GVGD) all suggest that this variant is likely to be tolerated. In summary, the available evidence is currently insufficient to determine the role of this variant in disease. Therefore, it has been classified as a Variant of Uncertain Significance.

Natera, Inc.
Classification: Uncertain significance for Hereditary sensory and autonomic neuropathy type III. Last evaluated: 2020-02-13. Review status: no assertion criteria provided. Collection method: clinical testing. Allele origin: germline. Not counted in ClinVar's aggregate classification.